The following is an entry in ClinVar:

ClinVar aggregate classification (germline): Uncertain significance (1 of 4 stars; one submission).

Allele frequency attached by ClinVar (database versions not stated): TOPMed below 0.00001; gnomAD exomes below 0.00001.
gnomAD v4.1: 3 of 1,614,216 alleles (0.00019%); highest among the groups gnomAD compares: Non-Finnish European, 0.00017%; no homozygotes.

Submission:

Labcorp Genetics (formerly Invitae), Labcorp
Classification: Uncertain significance. Last evaluated: 2025-03-07. Review status: criteria provided, single submitter. Criteria: Invitae Variant Classification Sherloc (09022015). Collection method: clinical testing. Allele origin: germline.
Comment: This sequence change replaces tyrosine, which is neutral and polar, with cysteine, which is neutral and slightly polar, at codon 180 of the SRP72 protein (p.Tyr180Cys). This variant is not present in population databases (gnomAD no frequency). This variant has not been reported in the literature in individuals affected with SRP72-related conditions. ClinVar contains an entry for this variant (Variation ID: 2914797). Invitae Evidence Modeling of protein sequence and biophysical properties (such as structural, functional, and spatial information, amino acid conservation, physicochemical variation, residue mobility, and thermodynamic stability) indicates that this missense variant is expected to disrupt SRP72 protein function with a positive predictive value of 80%. In summary, the available evidence is currently insufficient to determine the role of this variant in disease. Therefore, it has been classified as a Variant of Uncertain Significance.

NM_006947.4(SRP72):c.539A>G (p.Tyr180Cys)

Gene: SRP72 (signal recognition particle 72; plus strand). Cytogenetic location: 4q12.
Variant type: single nucleotide variant.
Coding change: c.539A>G on transcript NM_006947.4 (MANE Select); coding-DNA position 539, A replaced by G.
Protein change: p.Tyr180Cys; replaces tyrosine 180 with cysteine.
Molecular consequence: missense variant. On other transcripts: non-coding transcript variant (1).
Genome position (GRCh38, 1-based): chr4:56,474,320, A>G. VCF-style: chr4-56474320-A-G. GRCh37 (hg19) VCF-style: chr4-57340486-A-G.
Other names: c.539A>G, p.Tyr180Cys (NM_001267722.2); short protein forms Y180C.
Identifiers: ClinVar variation 2914797 (VCV002914797.3), dbSNP rs746717973, ClinGen allele CA97588574.